The following is an entry in ClinVar:

NM_012086.5(GTF3C3):c.17C>T (p.Pro6Leu)

Gene: GTF3C3 (general transcription factor IIIC subunit 3; minus strand). Cytogenetic location: 2q33.1.
Variant type: single nucleotide variant.
Coding change: c.17C>T on transcript NM_012086.5 (MANE Select); coding-DNA position 17, C replaced by T.
Protein change: p.Pro6Leu; replaces proline 6 with leucine.
Molecular consequence: missense variant.
Genome position (GRCh38, 1-based): chr2:196,799,595, G>A on the plus strand (C>T on the coding strand, the complement: GTF3C3 is on the minus strand). VCF-style: chr2-196799595-G-A. GRCh37 (hg19) VCF-style: chr2-197664319-G-A.
Other names: c.17C>T, p.Pro6Leu (NM_001206774.2); c.17C>T (NM_012086.4); short protein forms P6L.
Identifiers: ClinVar variation 4033041 (VCV004033041.2).

ClinVar aggregate classification (germline): Uncertain significance. Review status: criteria provided, multiple submitters, no conflicts (2 of 4 stars). 2 submissions from 2 submitters: Uncertain significance (2). Last evaluated 2026-03-24.

gnomAD v4.1: 3 of 1,613,322 alleles (0.00019%); highest among the groups gnomAD compares: Admixed American, 0.0017%; no homozygotes.

Submissions (2):

GeneDx
Classification: Uncertain significance. Last evaluated: 2026-03-24. Review status: criteria provided, single submitter. Criteria: GeneDx Variant Classification Process June 2021. Collection method: clinical testing. Allele origin: germline.
Comment: Not observed at significant frequency in large population cohorts (gnomAD); In silico analysis suggests that this missense variant does not alter protein structure/function; Has not been previously published as pathogenic or benign to our knowledge

Ambry Genetics
Classification: Uncertain significance. Last evaluated: 2025-03-28. Review status: criteria provided, single submitter. Criteria: Ambry Variant Classification Scheme 2023. Collection method: clinical testing. Allele origin: germline.